The following is an entry in ClinVar:

NM_138694.4(PKHD1):c.12110T>C (p.Leu4037Pro)

Gene: PKHD1 (PKHD1 ciliary IPT domain containing fibrocystin/polyductin; minus strand). Cytogenetic location: 6p12.3.
Variant type: single nucleotide variant.
Coding change: c.12110T>C on transcript NM_138694.4 (MANE Select); coding-DNA position 12110, T replaced by C.
Protein change: p.Leu4037Pro; replaces leucine 4037 with proline.
Molecular consequence: missense variant.
Genome position (GRCh38, 1-based): chr6:51,619,196, A>G on the plus strand (T>C on the coding strand, the complement: PKHD1 is on the minus strand). VCF-style: chr6-51619196-A-G. GRCh37 (hg19) VCF-style: chr6-51483994-A-G.
Other names: short protein forms L4037P.
Identifiers: ClinVar variation 216821 (VCV000216821.50), dbSNP rs199900211, ClinGen allele CA338262.

ClinVar aggregate classification (germline): Conflicting classifications of pathogenicity. Review status: criteria provided, conflicting classifications (1 of 4 stars). 9 submissions from 9 submitters: Uncertain significance (7); Likely benign (1). 1 of the submissions does not count toward it. Last evaluated 2026-03-10.

Conditions:
PKHD1-related disorder. Also called: PKHD1-related condition.
Polycystic kidney disease 4 (PKD4). Also called: POLYCYSTIC KIDNEY DISEASE 4 WITH OR WITHOUT POLYCYSTIC LIVER DISEASE; PKD3; Autosomal Recessive Polycystic Kidney Disease – PKHD1; POLYCYSTIC KIDNEY AND HEPATIC DISEASE 1; POLYCYSTIC KIDNEY DISEASE, INFANTILE, TYPE I. Identifiers: MedGen C4540575, MONDO:0033004, OMIM 263200.
Autosomal recessive polycystic kidney disease (ARPKD). Also called: AR polycystic kidney disease. Identifiers: Orphanet 731, Orphanet 8378, MedGen C0085548, MeSH D017044, MONDO:0009889.

Allele frequency attached by ClinVar (database versions not stated): ExAC 0.00012; gnomAD exomes 0.00012 and 0.00013; TOPMed 0.00013; gnomAD 0.00014 and 0.00015; ESP Exome Variant Server 0.00023.
gnomAD v4.1: 199 of 1,614,142 alleles (0.012%); highest among the groups gnomAD compares: Non-Finnish European, 0.016%; no homozygotes.

Submissions (9):

Myriad Genetics, Inc.
Classification: Uncertain significance for Polycystic kidney disease 4. Last evaluated: 2026-03-10. Review status: criteria provided, single submitter. Criteria: Myriad Autosomal Dominant, Autosomal Recessive and X-Linked Classification Criteria (2023). Collection method: clinical testing. Allele origin: unknown.
Comment: NM_138694.3(PKHD1):c.12110T>C(L4037P) is a missense variant classified as a variant of uncertain significance in the context of autosomal recessive polycystic kidney disease, PKHD1-related. L4037P has been observed in a case with relevant disease (PMID: 39473742). Relevant functional assessments of this variant are not available in the literature. L4037P has been observed in referenced population frequency databases. In summary, there is insufficient evidence to classify NM_138694.3(PKHD1):c.12110T>C(L4037P) as pathogenic or benign. Please note: this variant was assessed in the context of healthy population screening.

Labcorp Genetics (formerly Invitae), Labcorp
Classification: Likely benign for Autosomal recessive polycystic kidney disease. Last evaluated: 2025-12-28. Review status: criteria provided, single submitter. Criteria: Invitae Variant Classification Sherloc (09022015). Collection method: clinical testing. Allele origin: germline.

PreventionGenetics, part of Exact Sciences
Classification: Uncertain significance for PKHD1-related condition. Last evaluated: 2025-05-21. Review status: criteria provided, single submitter. Criteria: ACMG Guidelines, 2015. Collection method: clinical testing. Allele origin: germline.
Comment: The PKHD1 c.12110T>C variant is predicted to result in the amino acid substitution p.Leu4037Pro. This variant has been reported in a patient with isolated polycystic liver disease and a family with autosomal recessive lethal fetal ciliopathy phenotype, but the pathogenicity is unknown (Table S7, Besse et al. 2017. PubMed ID: 28375157; Filges et al. 2014. PubMed ID: 24128419). This variant is reported in 0.029% of alleles in individuals of European (Non-Finnish) descent in gnomAD. At this time, the clinical significance of this variant is uncertain due to the absence of conclusive functional and genetic evidence.

GeneDx
Classification: Uncertain significance. Last evaluated: 2024-05-30. Review status: criteria provided, single submitter. Criteria: GeneDx Variant Classification Process June 2021. Collection method: clinical testing. Allele origin: germline.
Comment: Identified in a deceased fetus with features of a ciliopathy who also harbored variants in the KIF14 gene (PMID: 24128419); In silico analysis supports that this missense variant does not alter protein structure/function; This variant is associated with the following publications: (PMID: 28404951, 26740555, 28719003, 24128419)

CeGaT Center for Human Genetics Tuebingen
Classification: Uncertain significance. Last evaluated: 2023-07-01. Review status: criteria provided, single submitter. Criteria: CeGaT Center For Human Genetics Tuebingen Variant Classification Criteria Version 2. Collection method: clinical testing. Allele origin: germline. Affected: yes. Observed: 1 variant allele.

Revvity Omics, Revvity
Classification: Uncertain significance for Polycystic kidney disease 4. Last evaluated: 2021-04-22. Review status: criteria provided, single submitter. Criteria: ACMG Guidelines, 2015. Collection method: clinical testing. Allele origin: germline.

Eurofins Ntd Llc (ga)
Classification: Uncertain significance. Last evaluated: 2018-06-14. Review status: criteria provided, single submitter. Criteria: EGL ClinVar v180209 classification definitions. Collection method: clinical testing. Allele origin: germline. Observed: 2 variant alleles, 2 heterozygotes.

Illumina Laboratory Services, Illumina
Classification: Uncertain significance for Polycystic kidney disease 4. Last evaluated: 2017-04-27. Review status: criteria provided, single submitter. Criteria: ICSL Variant Classification Criteria 13 December 2019. Collection method: clinical testing. Allele origin: germline.

Natera, Inc.
Classification: Uncertain significance for Autosomal recessive polycystic kidney disease. Last evaluated: 2018-01-13. Review status: no assertion criteria provided. Collection method: clinical testing. Allele origin: germline. Not counted in ClinVar's aggregate classification.

Literature cited by the submitters: PubMed 39473742 (cited by Myriad Genetics, Inc.).